The following is an entry in ClinVar:

ClinVar aggregate classification (germline): Conflicting classifications of pathogenicity. Review status: criteria provided, conflicting classifications (1 of 4 stars). 3 submissions from 3 submitters: Uncertain significance (2); Likely benign (1). Last evaluated 2025-12-16.

Conditions:
Autoimmune lymphoproliferative syndrome type 2A (ALPS2A). Also called: CASP10-Related Autoimmune Lymphoproliferative Syndrome; Autoimmune lymphoproliferative syndrome type 2; AUTOIMMUNE LYMPHOPROLIFERATIVE SYNDROME, TYPE IIA. Identifiers: Orphanet 3261, MedGen C1858968, MONDO:0011383, OMIM 603909.

Allele frequency attached by ClinVar (database versions not stated): gnomAD 0.00002; TOPMed 0.00002; ExAC 0.00004; gnomAD exomes 0.00004.
gnomAD v4.1: 33 of 1,613,656 alleles (0.002%); highest among the groups gnomAD compares: East Asian, 0.0022%; no homozygotes.

Submissions (3):

Labcorp Genetics (formerly Invitae), Labcorp
Classification: Uncertain significance for Autoimmune lymphoproliferative syndrome type 2A. Last evaluated: 2025-12-16. Review status: criteria provided, single submitter. Criteria: Invitae Variant Classification Sherloc (09022015). Collection method: clinical testing. Allele origin: germline.
Comment: This sequence change replaces isoleucine, which is neutral and non-polar, with arginine, which is basic and polar, at codon 185 of the CASP10 protein (p.Ile185Arg). This variant is present in population databases (rs753049035, gnomAD 0.05%). This variant has not been reported in the literature in individuals affected with CASP10-related conditions. ClinVar contains an entry for this variant (Variation ID: 840409). Invitae Evidence Modeling of protein sequence and biophysical properties (such as structural, functional, and spatial information, amino acid conservation, physicochemical variation, residue mobility, and thermodynamic stability) indicates that this missense variant is expected to disrupt CASP10 protein function with a positive predictive value of 80%. In summary, the available evidence is currently insufficient to determine the role of this variant in disease. Therefore, it has been classified as a Variant of Uncertain Significance.

Blueprint Genetics
Classification: Likely benign. Last evaluated: 2023-09-11. Review status: criteria provided, single submitter. Criteria: ACMG Guidelines, 2015. Collection method: clinical testing. Allele origin: germline.

Breakthrough Genomics
Classification: Uncertain significance. Review status: criteria provided, single submitter. Criteria: ACMG Guidelines, 2015. Collection method: not provided. Allele origin: germline. Inheritance: Autosomal dominant inheritance. Affected: yes.

NM_032977.4(CASP10):c.554T>G (p.Ile185Arg)

Gene: CASP10 (caspase 10; plus strand). Cytogenetic location: 2q33.1.
Variant type: single nucleotide variant.
Coding change: c.554T>G on transcript NM_032977.4 (MANE Select); coding-DNA position 554, T replaced by G.
Protein change: p.Ile185Arg; replaces isoleucine 185 with arginine.
Molecular consequence: missense variant.
Genome position (GRCh38, 1-based): chr2:201,193,096, T>G. VCF-style: chr2-201193096-T-G. GRCh37 (hg19) VCF-style: chr2-202057819-T-G.
Other names: c.554T>G, p.Ile185Arg (NM_001206524.2, NM_001206542.2, NM_001230.5 and 3 more transcripts); short protein forms I185R.
Identifiers: ClinVar variation 840409 (VCV000840409.14), dbSNP rs753049035, ClinGen allele CA2052900.